The following is an entry in ClinVar:

ClinVar aggregate classification (germline): Conflicting classifications of pathogenicity. Review status: criteria provided, conflicting classifications (1 of 4 stars). 6 submissions from 6 submitters: Uncertain significance (3); Likely benign (3). Last evaluated 2026-04-21.

Conditions:
Cardiovascular phenotype. Identifiers: MedGen CN230736.

Allele frequency attached by ClinVar (database versions not stated): gnomAD 0.00005 and 0.00007; TOPMed 0.00005; ESP Exome Variant Server 0.00008; gnomAD exomes 0.00010; ExAC 0.00011.
gnomAD v4.1: 71 of 1,613,638 alleles (0.0044%); highest among the groups gnomAD compares: East Asian, 0.058%; no homozygotes.

Submissions (6):

Women's Health and Genetics/Laboratory Corporation of America, LabCorp
Classification: Likely benign. Last evaluated: 2026-04-21. Review status: criteria provided, single submitter. Criteria: LabCorp Variant Classification Summary - May 2015. Collection method: clinical testing. Allele origin: germline.
Comment: Variant summary: TTN c.86021G>A (p.Arg28674His) results in a non-conservative amino acid change located in the A-band region of the encoded protein sequence. Algorithms developed to predict the effect of missense changes on protein structure and function are either unavailable or do not agree on the potential impact of this missense change. The variant allele was found at a frequency of 4.3e-05 in 1606646 control chromosomes, predominantly at a frequency of 0.00058 within the East Asian subpopulation in the gnomAD database. The observed variant frequency within East Asian control individuals in the gnomAD database exceeds the estimated maximal expected allele frequency for disease-causing variants in TTN. c.86021G>A has been observed in individuals affected with various cardiac phenotypes, including dilated cardiomyopathy, arrhythmias and sudden unexplained death (e.g. Sanchez_2016, Rinne_2020, Koutsofti_2024), however without strong evidence for causality. These reports do not provide unequivocal conclusions about association of the variant with Dilated Cardiomyopathy. To our knowledge, no experimental evidence demonstrating an impact on protein function has been reported. The following publications have been ascertained in the context of this evaluation (PMID: 38540378, 27930701, 32535041). ClinVar contains an entry for this variant (Variation ID: 165726). Based on the evidence outlined above, the variant was classified as likely benign.

CeGaT Center for Human Genetics Tuebingen
Classification: Uncertain significance. Last evaluated: 2022-06-01. Review status: criteria provided, single submitter. Criteria: CeGaT Center For Human Genetics Tuebingen Variant Classification Criteria Version 2. Collection method: clinical testing. Allele origin: germline. Affected: yes. Observed: 1 variant allele.

Ambry Genetics
Classification: Likely benign for Cardiovascular phenotype. Last evaluated: 2020-07-08. Review status: criteria provided, single submitter. Criteria: Ambry Variant Classification Scheme 2023. Collection method: clinical testing. Allele origin: germline.

GeneDx
Classification: Likely benign. Last evaluated: 2019-11-12. Review status: criteria provided, single submitter. Criteria: GeneDx Variant Classification Process June 2021. Collection method: clinical testing. Allele origin: germline. Affected: yes.
Comment: This variant is associated with the following publications: (PMID: 27930701)

Revvity Omics, Revvity
Classification: Uncertain significance. Last evaluated: 2019-06-26. Review status: criteria provided, single submitter. Criteria: ACMG Guidelines, 2015. Collection method: clinical testing. Allele origin: germline.

Laboratory for Molecular Medicine, Mass General Brigham Personalized Medicine
Classification: Uncertain significance. Last evaluated: 2014-03-14. Review status: criteria provided, single submitter. Criteria: LMM Criteria. Collection method: clinical testing. Allele origin: germline. Observed: 1 variant allele.
Comment: The Arg28674His variant in TTN has not been reported in individuals with cardiom yopathy, but has been identified in 1/8312 European American chromosomes by the NHLBI Exome Sequencing Project. Computational prediction tools and conservation analysis do not provide strong support for or against an impact to the protein. Additional information is needed to fully ass ess the clinical significance of the Arg28674His variant.

Literature cited by the submitters: PubMed 27930701 (cited by Women's Health and Genetics/Laboratory Corporation of America, LabCorp); PubMed 38540378 (cited by Women's Health and Genetics/Laboratory Corporation of America, LabCorp); PubMed 32535041 (cited by Women's Health and Genetics/Laboratory Corporation of America, LabCorp and Ambry Genetics).

NM_001267550.2(TTN):c.93725G>A (p.Arg31242His)

Genes: TTN (titin; minus strand), TTN-AS1 (TTN antisense RNA 1; plus strand). Cytogenetic location: 2q31.2.
Variant type: single nucleotide variant.
Coding change: c.93725G>A on transcript NM_001267550.2 (MANE Select); coding-DNA position 93725, G replaced by A.
Protein change: p.Arg31242His; replaces arginine 31242 with histidine.
Molecular consequence: missense variant.
Genome position (GRCh38, 1-based): chr2:178,547,901, C>T on the plus strand (G>A on the coding strand, the complement: TTN is on the minus strand). VCF-style: chr2-178547901-C-T. GRCh37 (hg19) VCF-style: chr2-179412628-C-T.
Other names: p.R29601H:CGT>CAT; c.66530G>A, p.Arg22177His (NM_003319.4); c.66905G>A, p.Arg22302His (NM_133432.3); c.67106G>A, p.Arg22369His (NM_133437.4); c.88802G>A, p.Arg29601His (NM_001256850.1); c.86021G>A, p.Arg28674His (NM_133378.4); short protein forms R28674H, R31242H, R29601H, R22177H, R22369H, R22302H.
Identifiers: ClinVar variation 165726 (VCV000165726.36), dbSNP rs369899675, ClinGen allele CA178436.
Genomic context (GRCh38, chr2:178,547,901, plus strand): 5'-ACTCGATCTGTCTCTTTAAGTCTCATTTCTTCCAGTTTCCATGTTACTTTGGGGGCAGGA[C>T]GACCACTGATTGGTACGTCAATGGTAAATGGGCTTCCTGCTTTGCAAGTTATAAGCTGAT-3'
Protein context (NP_001254479.2, residues 31232-31252): PFTIDVPISG[Arg31242His]PAPKVTWKLE